The following is an entry in ClinVar:

ClinVar aggregate classification (germline): Likely benign (0 of 4 stars; one submission).

Conditions:
FKBPL-related disorder. Also called: FKBPL-related condition.

Allele frequency attached by ClinVar (database versions not stated): gnomAD exomes 0.00015; ExAC 0.00028; TOPMed 0.00104; ESP Exome Variant Server 0.00108; gnomAD 0.00118; 1000 Genomes Project 0.00200; 1000 Genomes Project 30x 0.00265.

Submission:

PreventionGenetics, part of Exact Sciences
Classification: Likely benign for FKBPL-related condition. Last evaluated: 2019-03-12. Review status: no assertion criteria provided. Collection method: clinical testing. Allele origin: germline.
Comment: This variant is classified as likely benign based on ACMG/AMP sequence variant interpretation guidelines (Richards et al. 2015 PMID: 25741868, with internal and published modifications).

NM_022110.4(FKBPL):c.1030C>T (p.Leu344=)

Gene: FKBPL (FKBP prolyl isomerase like; minus strand). Cytogenetic location: 6p21.32.
Variant type: single nucleotide variant.
Coding change: c.1030C>T on transcript NM_022110.4 (MANE Select); coding-DNA position 1030, C replaced by T.
Protein change: p.Leu344=; no amino-acid change (leucine 344 retained).
Molecular consequence: synonymous variant.
Genome position (GRCh38, 1-based): chr6:32,128,751, G>A on the plus strand (C>T on the coding strand, the complement: FKBPL is on the minus strand). VCF-style: chr6-32128751-G-A. GRCh37 (hg19) VCF-style: chr6-32096528-G-A.
Identifiers: ClinVar variation 3036873 (VCV003036873.2), dbSNP rs61747172, ClinGen allele CA3736563.
Genomic context (GRCh38, chr6:32,128,751, plus strand): 5'-AATTCACAAGTTCCTGTCTCTTTTAAGGTTTAACTTTTAATCAGCCAAACATCTTGCGCA[G>A]ACCCTGAGCCAGCCCTGCATCCTGGTTCTTCCCCTGAATGACCACCTTCCCCAGTTCCTC-3'
Protein context (NP_071393.2, residues 334-349): KNQDAGLAQG[Leu344=]RKMFG